The following is an entry in ClinVar:

NM_000059.4(BRCA2):c.1987T>C (p.Phe663Leu)

Gene: BRCA2 (BRCA2 DNA repair associated; plus strand). Cytogenetic location: 13q13.1.
Variant type: single nucleotide variant.
Coding change: c.1987T>C on transcript NM_000059.4 (MANE Select); coding-DNA position 1987, T replaced by C.
Protein change: p.Phe663Leu; replaces phenylalanine 663 with leucine.
Molecular consequence: missense variant.
Genome position (GRCh38, 1-based): chr13:32,336,342, T>C. VCF-style: chr13-32336342-T-C. GRCh37 (hg19) VCF-style: chr13-32910479-T-C.
Other names: short protein forms F663L.
Identifiers: ClinVar variation 531203 (VCV000531203.11), dbSNP rs1555282387, ClinGen allele CA387768631.

ClinVar aggregate classification (germline): Conflicting classifications of pathogenicity. Review status: criteria provided, conflicting classifications (1 of 4 stars). 3 submissions from 3 submitters: Uncertain significance (2); Likely benign (1). Last evaluated 2023-03-23.

Conditions:
Breast-ovarian cancer, familial, susceptibility to, 2 (BROVCA2). Also called: BRCA2 Hereditary Breast and Ovarian Cancer. Identifiers: Orphanet 145, MedGen C2675520, MONDO:0012933, OMIM 612555. Disease mechanism: loss of function.
Hereditary breast ovarian cancer syndrome. Also called: Hereditary breast and ovarian cancer syndrome; Hereditary breast and ovarian cancer syndrome (HBOC); BRCA1- and BRCA2-Associated Hereditary Breast and Ovarian Cancer; Hereditary breast and ovarian cancer; Breast and ovarian cancer; Hereditary breast and/or ovarian cancer syndrome. Identifiers: Orphanet 145, MedGen C0677776, MeSH D061325, MONDO:0003582. Disease mechanism: loss of function.
Hereditary cancer-predisposing syndrome. Also called: Neoplastic Syndromes, Hereditary; Hereditary neoplastic syndrome; Tumor predisposition; Hereditary Cancer Syndrome. Identifiers: Orphanet 140162, MedGen C0027672, MeSH D009386, MONDO:0015356.

Submissions (3):

University of Washington Department of Laboratory Medicine, University of Washington
Classification: Likely benign for Hereditary cancer-predisposing syndrome. Last evaluated: 2023-03-23. Review status: criteria provided, single submitter. Criteria: Dines et al. (Genet Med. 2020). Collection method: curation. Allele origin: germline.
Comment: Missense variant in a coldspot region where missense variants are very unlikely to be pathogenic (PMID:31911673).

BRCA2 exon 11 coldspot. Reclassification based on statistical prior probability.

All of Us Research Program, National Institutes of Health
Classification: Uncertain significance for Breast-ovarian cancer, familial, susceptibility to, 2. Last evaluated: 2023-02-24. Review status: criteria provided, single submitter. Criteria: ACMG Guidelines, 2015. Collection method: clinical testing. Allele origin: germline. Inheritance: Autosomal dominant inheritance. Observed: 1 variant allele, 1 heterozygote.
Comment: This missense variant replaces phenylalanine with leucine at codon 663 of the BRCA2 protein. Computational prediction suggests that this variant may not impact protein structure and function (internally defined REVEL score threshold <= 0.5, PMID: 27666373). To our knowledge, functional studies have not been reported for this variant. This variant has not been reported in individuals affected with BRCA2-related disorders in the literature. This variant has not been identified in the general population by the Genome Aggregation Database (gnomAD). The available evidence is insufficient to determine the role of this variant in disease conclusively. Therefore, this variant is classified as a Variant of Uncertain Significance.

This study involves interpretation of variants in research participants for the purpose of population health screening. Participant phenotype was not available at the time of variant classification. Additional details can be found in publication PMID: 35346344, PMCID: PMC8962531

Labcorp Genetics (formerly Invitae), Labcorp
Classification: Uncertain significance for Hereditary breast ovarian cancer syndrome. Last evaluated: 2017-09-11. Review status: criteria provided, single submitter. Criteria: Invitae Variant Classification Sherloc (09022015). Collection method: clinical testing. Allele origin: germline.
Comment: In summary, the available evidence is currently insufficient to determine the role of this variant in disease. Therefore, it has been classified as a Variant of Uncertain Significance. Algorithms developed to predict the effect of missense changes on protein structure and function output the following: SIFT: "Tolerated"; PolyPhen-2: "Benign"; Align-GVGD: "Class C0". The leucine amino acid residue is found in multiple mammalian species, suggesting that this missense change does not adversely affect protein function. These predictions have not been confirmed by published functional studies and their clinical significance is uncertain. This variant has not been reported in the literature in individuals with BRCA2-related disease. This variant is not present in population databases (ExAC no frequency). This sequence change replaces phenylalanine with leucine at codon 663 of the BRCA2 protein (p.Phe663Leu). The phenylalanine residue is weakly conserved and there is a small physicochemical difference between phenylalanine and leucine.